The following is an entry in ClinVar:

ClinVar aggregate classification (germline): Benign/Likely benign. Review status: criteria provided, multiple submitters, no conflicts (2 of 4 stars). 3 submissions from 3 submitters: Benign (1); Likely benign (2). Last evaluated 2026-07-02.

Conditions:
Sessile serrated polyposis cancer syndrome (SSPCS). Identifiers: Orphanet 157798, MedGen C4310714, MONDO:0014919, OMIM 617108.

Allele frequency attached by ClinVar (database versions not stated): TOPMed 0.00001.
gnomAD v4.1: 8 of 1,609,838 alleles (0.0005%); highest among the groups gnomAD compares: South Asian, 0.0011%; no homozygotes.

Submissions (3):

Myriad Genetics, Inc.
Classification: Benign for Sessile serrated polyposis cancer syndrome. Last evaluated: 2026-07-02. Review status: criteria provided, single submitter. Criteria: Myriad Autosomal Dominant, Autosomal Recessive and X-Linked Classification Criteria (2023). Collection method: clinical testing. Allele origin: unknown.
Comment: This variant is considered benign. This variant is a silent/synonymous amino acid change and it is not expected to impact splicing.

Ambry Genetics
Classification: Likely benign. Last evaluated: 2025-01-13. Review status: criteria provided, single submitter. Criteria: Ambry Variant Classification Scheme 2023. Collection method: clinical testing. Allele origin: germline.

Labcorp Genetics (formerly Invitae), Labcorp
Classification: Likely benign. Last evaluated: 2022-09-12. Review status: criteria provided, single submitter. Criteria: Invitae Variant Classification Sherloc (09022015). Collection method: clinical testing. Allele origin: germline.

NM_017763.6(RNF43):c.1803C>A (p.Ser601=)

Gene: RNF43 (ring finger protein 43; minus strand). Cytogenetic location: 17q22.
Variant type: single nucleotide variant.
Coding change: c.1803C>A on transcript NM_017763.6 (MANE Select); coding-DNA position 1803, C replaced by A.
Protein change: p.Ser601=; no amino-acid change (serine 601 retained).
Molecular consequence: synonymous variant.
Genome position (GRCh38, 1-based): chr17:58,357,973, G>T on the plus strand (C>A on the coding strand, the complement: RNF43 is on the minus strand). VCF-style: chr17-58357973-G-T. GRCh37 (hg19) VCF-style: chr17-56435334-G-T.
Other names: c.1803C>A, p.Ser601= (NM_001305544.3); c.1422C>A, p.Ser474= (NM_001305545.2).
Identifiers: ClinVar variation 2171480 (VCV002171480.6), dbSNP rs766086514, ClinGen allele CA501321274.
Genomic context (GRCh38, chr17:58,357,973, plus strand): 5'-CTCAGGGAGGGCCCTGGGGCACTGTGGGTTAGAGAGCCGCCCCGAAGGGGCTGCTGAGTT[G>T]GATCTGGTGACTTGCTGATCAGGAGAAGGTGGCTCTGGCTGGGGCTGTGTCCGAGGAATA-3'
Protein context (NP_060233.3, residues 591-611): PPSPDQQVTR[Ser601=]NSAAPSGRLS